The following is an entry in ClinVar:

NM_001177316.2(SLC34A3):c.1735A>C (p.Lys579Gln)

Gene: SLC34A3 (solute carrier family 34 member 3; plus strand). Cytogenetic location: 9q34.3.
Variant type: single nucleotide variant.
Coding change: c.1735A>C on transcript NM_001177316.2 (MANE Select); coding-DNA position 1735, A replaced by C.
Protein change: p.Lys579Gln; replaces lysine 579 with glutamine.
Molecular consequence: missense variant.
Genome position (GRCh38, 1-based): chr9:137,236,351, A>C. VCF-style: chr9-137236351-A-C. GRCh37 (hg19) VCF-style: chr9-140130803-A-C.
Other names: c.1735A>C, p.Lys579Gln (NM_001177317.2, NM_080877.3); short protein forms K579Q.
Identifiers: ClinVar variation 1955734 (VCV001955734.5), dbSNP rs1836598394, ClinGen allele CA375742232.

ClinVar aggregate classification (germline): Uncertain significance (1 of 4 stars; one submission).

Submission:

Labcorp Genetics (formerly Invitae), Labcorp
Classification: Uncertain significance. Last evaluated: 2022-04-07. Review status: criteria provided, single submitter. Criteria: Invitae Variant Classification Sherloc (09022015). Collection method: clinical testing. Allele origin: germline.
Comment: In summary, the available evidence is currently insufficient to determine the role of this variant in disease. Therefore, it has been classified as a Variant of Uncertain Significance. Algorithms developed to predict the effect of missense changes on protein structure and function output the following: SIFT: "Tolerated"; PolyPhen-2: "Benign"; Align-GVGD: "Class C0". The glutamine amino acid residue is found in multiple mammalian species, which suggests that this missense change does not adversely affect protein function. This variant has not been reported in the literature in individuals affected with SLC34A3-related conditions. This variant is not present in population databases (gnomAD no frequency). This sequence change replaces lysine, which is basic and polar, with glutamine, which is neutral and polar, at codon 579 of the SLC34A3 protein (p.Lys579Gln).